The following is an entry in ClinVar:

ClinVar aggregate classification (germline): Uncertain significance (1 of 4 stars; one submission).

Submission:

ARUP Laboratories, Molecular Genetics and Genomics, ARUP Laboratories
Classification: Uncertain significance. Last evaluated: 2018-02-20. Review status: criteria provided, single submitter. Criteria: ARUP Molecular Germline Variant Investigation Process. Collection method: clinical testing. Allele origin: germline.
Comment: The p.Asp149Val variant has not been reported in the medical literature or gene specific variation databases; however nearby variants (p.Ser148L, p.D156N and p.G158V) have been reported in association with methylmalonic aciduria (Acquaviva 2005). This variant is absent from general population databases such as 1000 Genomes, NHLBI GO Exome Sequencing Project (ESP), and the Genome Aggregation Database (gnomAD). The aspartic acid at position 149 is highly conserved up to C. elegans considering 11 species (Alamut v2.10) and computational analyses of the p.Asp149Val variant on protein structure and function indicate a deleterious effect (SIFT: damaging, MutationTaster: disease causing, PolyPhen-2: probably damaging). Altogether, there is not enough evidence to classify the p.Asp149Val variant with certainty.

NM_000255.4(MMUT):c.446A>T (p.Asp149Val)

Gene: MMUT (methylmalonyl-CoA mutase; minus strand). Cytogenetic location: 6p12.3.
Variant type: single nucleotide variant.
Coding change: c.446A>T on transcript NM_000255.4 (MANE Select); coding-DNA position 446, A replaced by T.
Protein change: p.Asp149Val; replaces aspartic acid 149 with valine.
Molecular consequence: missense variant.
Genome position (GRCh38, 1-based): chr6:49,457,998, T>A on the plus strand (A>T on the coding strand, the complement: MMUT is on the minus strand). VCF-style: chr6-49457998-T-A. GRCh37 (hg19) VCF-style: chr6-49425711-T-A.
Other names: short protein forms D149V.
Identifiers: ClinVar variation 618223 (VCV000618223.8), dbSNP rs1194327802, ClinGen allele CA364404708.